The following is an entry in ClinVar:

ClinVar aggregate classification (germline): Conflicting classifications of pathogenicity. Review status: criteria provided, conflicting classifications (1 of 4 stars). 3 submissions from 3 submitters: Uncertain significance (1); Likely benign (1). 1 of the submissions does not count toward it. Last evaluated 2026-06-09.

Conditions:
Developmental and epileptic encephalopathy, 58. Also called: EPILEPTIC ENCEPHALOPATHY, EARLY INFANTILE, 58. Identifiers: MedGen C4693367, MONDO:0033367, OMIM 617830.
NTRK2-related disorder. Also called: NTRK2-related condition.

Allele frequency attached by ClinVar (database versions not stated): gnomAD 0.00004 and 0.00003; ExAC 0.00002; gnomAD exomes 0.00003; TOPMed 0.00002.
gnomAD v4.1: 45 of 1,613,838 alleles (0.0028%); highest among the groups gnomAD compares: South Asian, 0.0088%; no homozygotes.

Submissions (3):

Centre for Medical Genetics,  Mumbai
Classification: Likely benign for Developmental and epileptic encephalopathy, 58. Last evaluated: 2026-06-09. Review status: criteria provided, single submitter. Criteria: ACMG Guidelines, 2015. Collection method: provider interpretation. Allele origin: germline. Inheritance: Autosomal dominant inheritance. Affected: no. Observed: 1 variant allele, 1 homozygote.
Comment: The variant satisfies PM2 criteria - extremely low frequency in gnomAD population databases. The variant satisfies PP2 criteria - missense variant in a gene with low rate of benign missense mutations and for which missense mutation is a common mechanism of a disease. However, the variant satisfies BS2 criteria - present in homozygous state in an individual that clinically does not have Developmental and epileptic encephalopathy.

Labcorp Genetics (formerly Invitae), Labcorp
Classification: Uncertain significance. Last evaluated: 2024-10-13. Review status: criteria provided, single submitter. Criteria: Invitae Variant Classification Sherloc (09022015). Collection method: clinical testing. Allele origin: germline.
Comment: This sequence change replaces valine, which is neutral and non-polar, with isoleucine, which is neutral and non-polar, at codon 486 of the NTRK2 protein (p.Val486Ile). This variant is present in population databases (rs201028496, gnomAD 0.02%). This missense change has been observed in individual(s) with severe obesity (PMID: 35061034). ClinVar contains an entry for this variant (Variation ID: 1488029). Invitae Evidence Modeling of protein sequence and biophysical properties (such as structural, functional, and spatial information, amino acid conservation, physicochemical variation, residue mobility, and thermodynamic stability) indicates that this missense variant is not expected to disrupt NTRK2 protein function with a negative predictive value of 80%. In summary, the available evidence is currently insufficient to determine the role of this variant in disease. Therefore, it has been classified as a Variant of Uncertain Significance.

PreventionGenetics, part of Exact Sciences
Classification: Uncertain significance for NTRK2-related condition. Last evaluated: 2024-05-28. Review status: no assertion criteria provided. Collection method: clinical testing. Allele origin: germline. Not counted in ClinVar's aggregate classification.
Comment: The NTRK2 c.1456G>A variant is predicted to result in the amino acid substitution p.Val486Ile. This variant was reported in an individual with severe obesity, but was classified as a variant of uncertain significance (Saeed et al. 2022. PubMed ID: 35061034). This variant is reported in 0.016% of alleles in individuals of South Asian descent in gnomAD, which may be too common to be a primary cause of disease. Although we suspect that this variant may be benign, at this time, the clinical significance of this variant is uncertain due to the absence of conclusive functional and genetic evidence.

Literature cited by the submitters: PubMed 29100083 (cited by Centre for Medical Genetics,  Mumbai); PubMed 35061034 (cited by Labcorp Genetics (formerly Invitae), Labcorp).

NM_006180.6(NTRK2):c.1456G>A (p.Val486Ile)

Gene: NTRK2 (neurotrophic receptor tyrosine kinase 2; plus strand). Cytogenetic location: 9q21.33.
Variant type: single nucleotide variant.
Coding change: c.1456G>A on transcript NM_006180.6 (MANE Select); coding-DNA position 1456, G replaced by A.
Protein change: p.Val486Ile; replaces valine 486 with isoleucine.
Molecular consequence: missense variant.
Genome position (GRCh38, 1-based): chr9:84,867,254, G>A. VCF-style: chr9-84867254-G-A. GRCh37 (hg19) VCF-style: chr9-87482169-G-A.
Other names: c.1408G>A, p.Val470Ile (NM_001018064.3, NM_001018066.3, NM_001369532.1 and 2 more transcripts); c.1456G>A (NM_006180.4); c.1456G>A, p.Val486Ile (NM_001018065.2, NM_001369537.1); c.1372G>A, p.Val458Ile (NM_001369534.1); c.940G>A, p.Val314Ile (NM_001369535.1); c.988G>A, p.Val330Ile (NM_001369536.1); short protein forms V330I, V314I, V458I, V486I, V470I.
Identifiers: ClinVar variation 1488029 (VCV001488029.8), dbSNP rs201028496, ClinGen allele CA5105777.